The following is an entry in ClinVar:

ClinVar aggregate classification (germline): Uncertain significance. Review status: criteria provided, multiple submitters, no conflicts (2 of 4 stars). 3 submissions from 3 submitters: Uncertain significance (3). Last evaluated 2025-09-04.

Conditions:
Cortical dysplasia-focal epilepsy syndrome (PTHSL1). Also called: Pitt-Hopkins-like syndrome 1. Identifiers: Orphanet 163681, Orphanet 221150, MedGen C2750246, MONDO:0012400, OMIM 610042.

Submissions (3):

Labcorp Genetics (formerly Invitae), Labcorp
Classification: Uncertain significance for Cortical dysplasia-focal epilepsy syndrome. Last evaluated: 2025-09-04. Review status: criteria provided, single submitter. Criteria: Invitae Variant Classification Sherloc (09022015). Collection method: clinical testing. Allele origin: germline.
Comment: This sequence change creates a premature translational stop signal (p.Thr1319Argfs*4) in the CNTNAP2 gene. While this is not anticipated to result in nonsense mediated decay, it is expected to disrupt the last 13 amino acid(s) of the CNTNAP2 protein. This variant is not present in population databases (gnomAD no frequency). This variant has not been reported in the literature in individuals affected with CNTNAP2-related conditions. Experimental studies and prediction algorithms are not available or were not evaluated, and the functional significance of this variant is currently unknown. In summary, the available evidence is currently insufficient to determine the role of this variant in disease. Therefore, it has been classified as a Variant of Uncertain Significance.

Women's Health and Genetics/Laboratory Corporation of America, LabCorp
Classification: Uncertain significance. Last evaluated: 2024-01-30. Review status: criteria provided, single submitter. Criteria: LabCorp Variant Classification Summary - May 2015. Collection method: clinical testing. Allele origin: germline.
Comment: Variant summary: CNTNAP2 c.3956_3957delCA (p.Thr1319ArgfsX4) results in a premature termination codon in the last exon of the CNTNAP2 gene, predicted to cause a truncation of the encoded protein, however, nonsense mediated decay is not expected to occur. The variant was absent in 251440 control chromosomes. The available data on variant occurrences in the general population are insufficient to allow any conclusion about variant significance. To our knowledge, no occurrence of c.3956_3957delCA in individuals affected with Pitt-Hopkins-Like Syndrome 1 and no experimental evidence demonstrating its impact on protein function have been reported. ClinVar contains an entry for this variant (Variation ID: 450341). Based on the evidence outlined above, the variant was classified as uncertain significance.

GeneDx
Classification: Uncertain significance. Last evaluated: 2017-06-29. Review status: criteria provided, single submitter. Criteria: GeneDx Variant Classification (06012015). Collection method: clinical testing. Allele origin: germline. Affected: yes.
Comment: The c.3956_3957delCA variant has not been published as a pathogenic variant, nor has it been reported as a benign variant to our knowledge. The c.3956_3957delCA variant is not observed in large population cohorts (Lek et al., 2016; 1000 Genomes Consortium et al., 2015; Exome Variant Server). The c.3956_3957delCA variant causes a frameshift starting with codon Threonine 1319, changes this amino acid to a Arginine residue and creates a premature Stop codon at position 4 of the new reading frame, denoted p.Thr1319ArgfsX4. This variant is predicted to result in protein truncation as the last 3 amino acids are lost and replaced with 13 incorrect amino acids. However, loss-of-function variants have not been reported downstream of this position in the protein. Therefore, based on the currently available information, it is unclear whether this variant is a pathogenic variant or a rare benign variant.

NM_014141.6(CNTNAP2):c.3956_3957del (p.Thr1319fs)

Gene: CNTNAP2 (contactin associated protein 2; plus strand). Cytogenetic location: 7q36.1.
Variant type: Microsatellite.
Coding change: c.3956_3957del on transcript NM_014141.6 (MANE Select); coding-DNA positions 3956 to 3957, 2 bases deleted (CA; older notation c.3956_3957delCA).
Protein change: p.Thr1319fs; shifts the reading frame from threonine 1319.
Molecular consequence: frameshift variant.
Genome position (GRCh38, 1-based): chr7:148,415,576-148,415,577, CA deleted; deleting any 2 consecutive bases within chr7:148,415,574-148,415,577 gives the same sequence; the c. name uses the placement nearest the transcript's 3' end. VCF-style (leftmost placement, unchanged base first): chr7-148415573-TCA-T. GRCh37 (hg19) VCF-style: chr7-148112665-TCA-T.
Other names: c.3956_3957delCA (NM_014141.6); short protein forms T1319fs.
Identifiers: ClinVar variation 450341 (VCV000450341.7), dbSNP rs1554432792, ClinGen allele CA658657737.